The following is an entry in ClinVar:

NM_001042492.3(NF1):c.8038C>T (p.Pro2680Ser)

Gene: NF1 (neurofibromin 1; plus strand). Cytogenetic location: 17q11.2.
Variant type: single nucleotide variant.
Coding change: c.8038C>T on transcript NM_001042492.3 (MANE Select); coding-DNA position 8038, C replaced by T.
Protein change: p.Pro2680Ser; replaces proline 2680 with serine.
Molecular consequence: missense variant.
Genome position (GRCh38, 1-based): chr17:31,358,547, C>T. VCF-style: chr17-31358547-C-T. GRCh37 (hg19) VCF-style: chr17-29685565-C-T.
Other names: c.7975C>T, p.Pro2659Ser (NM_000267.4); short protein forms P2659S, P2680S.
Identifiers: ClinVar variation 3237966 (VCV003237966.1), dbSNP rs2151584963.

ClinVar aggregate classification (germline): Uncertain significance (1 of 4 stars; one submission).

Conditions:
Hereditary cancer-predisposing syndrome. Also called: Neoplastic Syndromes, Hereditary; Tumor predisposition; Hereditary neoplastic syndrome; Hereditary Cancer Syndrome. Identifiers: Orphanet 140162, MedGen C0027672, MeSH D009386, MONDO:0015356.
Cardiovascular phenotype. Identifiers: MedGen CN230736.

Submission:

Ambry Genetics
Classification: Uncertain significance for Cardiovascular phenotype; Hereditary cancer-predisposing syndrome. Last evaluated: 2023-05-09. Review status: criteria provided, single submitter. Criteria: Ambry Variant Classification Scheme 2023. Collection method: clinical testing. Allele origin: germline.
Comment: The p.P2659S variant (also known as c.7975C>T), located in coding exon 54 of the NF1 gene, results from a C to T substitution at nucleotide position 7975. The proline at codon 2659 is replaced by serine, an amino acid with similar properties. This amino acid position is highly conserved in available vertebrate species. In addition, the in silico prediction for this alteration is inconclusive. Since supporting evidence is limited at this time, the clinical significance of this alteration remains unclear.